The following is an entry in ClinVar:

ClinVar aggregate classification (germline): Uncertain significance. Review status: criteria provided, multiple submitters, no conflicts (2 of 4 stars). 2 submissions from 2 submitters: Uncertain significance (2). Last evaluated 2026-05-13.

Conditions:
RP1L1-related disorder. Also called: RP1L1-related condition.
Inborn genetic diseases. Identifiers: MedGen C0950123, MeSH D030342.

gnomAD v4.1: 36 of 1,612,594 alleles (0.0022%); highest among the groups gnomAD compares: Admixed American, 0.0083%; no homozygotes.

Submissions (2):

PreventionGenetics, part of Exact Sciences
Classification: Uncertain significance for RP1L1-related condition. Last evaluated: 2026-05-13. Review status: criteria provided, single submitter. Criteria: ACMG Guidelines, 2015. Collection method: clinical testing. Allele origin: germline.
Comment: The RP1L1 c.1684G>A variant is predicted to result in the amino acid substitution p.Glu562Lys. To our knowledge, this variant has not been reported in the literature. This variant is reported in 0.014% of alleles in individuals of Latino descent in gnomAD. At this time, the clinical significance of this variant is uncertain due to the absence of conclusive functional and genetic evidence.

Ambry Genetics
Classification: Uncertain significance for Inborn genetic diseases. Last evaluated: 2024-05-30. Review status: criteria provided, single submitter. Criteria: Ambry Variant Classification Scheme 2023. Collection method: clinical testing. Allele origin: germline.

NM_178857.6(RP1L1):c.1684G>A (p.Glu562Lys)

Gene: RP1L1 (RP1 like 1). Cytogenetic location: 8p23.1.
Variant type: single nucleotide variant.
Coding change: c.1684G>A on transcript NM_178857.6 (MANE Select); coding-DNA position 1684, G replaced by A.
Protein change: p.Glu562Lys; replaces glutamic acid 562 with lysine.
Molecular consequence: missense variant.
Genome position (GRCh38, 1-based): chr8:10,612,414, C>T on the plus strand (G>A on the coding strand, the complement: RP1L1 is on the minus strand). VCF-style: chr8-10612414-C-T. GRCh37 (hg19) VCF-style: chr8-10469924-C-T.
Other names: short protein forms E562K.
Identifiers: ClinVar variation 3315074 (VCV003315074.2).